The following is an entry in ClinVar:

NM_017780.4(CHD7):c.1603C>T (p.Gln535Ter)

Gene: CHD7 (chromodomain helicase DNA binding protein 7; plus strand). Cytogenetic location: 8q12.2.
Variant type: single nucleotide variant.
Coding change: c.1603C>T on transcript NM_017780.4 (MANE Select); coding-DNA position 1603, C replaced by T.
Protein change: p.Gln535Ter; replaces glutamine 535 with a stop codon.
Molecular consequence: nonsense.
Genome position (GRCh38, 1-based): chr8:60,743,035, C>T. VCF-style: chr8-60743035-C-T. GRCh37 (hg19) VCF-style: chr8-61655594-C-T.
Other names: c.1603C>T, p.Gln535Ter (NM_001316690.1); short protein forms Q535*.
Identifiers: ClinVar variation 1320236 (VCV001320236.1), dbSNP rs751709941, ClinGen allele CA371303646.

ClinVar aggregate classification (germline): Pathogenic (1 of 4 stars; one submission).

Conditions:
CHARGE syndrome (CHARGE). Also called: Hittner Hirsch Kreh syndrome; CHARGE ASSOCIATION--COLOBOMA, HEART ANOMALY, CHOANAL ATRESIA, RETARDATION, GENITAL AND EAR ANOMALIES; Coloboma, heart anomaly, choanal atresia, retardation, genital and ear anomalies; CHARGE association; Hall-Hittner syndrome. Identifiers: Orphanet 138, MedGen C0265354, MONDO:0008965.

Submission:

3billion
Classification: Pathogenic for CHD7-related CHARGE syndrome. Last evaluated: 2021-10-02. Review status: criteria provided, single submitter. Criteria: ACMG Guidelines, 2015. Collection method: clinical testing. Allele origin: germline. Affected: yes. Observed: 1 heterozygote.
Comment: Stop-gained (nonsense): predicted to result in a loss or disruption of normal protein function through nonsense-mediated decay (NMD) or protein truncation. Multiple pathogenic variants are reported downstream of the variant (PVS1_VS). The variant was observed as assumed (i.e. paternity and maternity not confirmed) de novoo (3billion dataset, PM6). It is not observed in the gnomAD v2.1.1 dataset (PM2). Therefore, this variant is classified as pathogenic according to the recommendation of ACMG/AMP guideline.